The following is an entry in ClinVar:

ClinVar aggregate classification (germline): Pathogenic/Likely pathogenic. Review status: criteria provided, multiple submitters, no conflicts (2 of 4 stars). 9 submissions from 9 submitters: Pathogenic (8); Likely pathogenic (1). Last evaluated 2025-06-01.

Conditions:
Autism spectrum disorder due to AUTS2 deficiency (MRD26). Also called: INTELLECTUAL DEVELOPMENTAL DISORDER, AUTOSOMAL DOMINANT 26. Identifiers: Orphanet 352490, MedGen C4014435, MONDO:0014361, OMIM 615834.
Intellectual developmental disorder, autosomal dominant 57. Also called: MENTAL RETARDATION, AUTOSOMAL DOMINANT 57; Intellectual disability, autosomal dominant 57. Identifiers: MedGen C4748003, MONDO:0054837, OMIM 618050.

Submissions (9):

GeNE CliniK, Regional Hospital Limbe
Classification: Pathogenic for Autism spectrum disorder due to AUTS2 deficiency. Last evaluated: 2025-06-01. Review status: criteria provided, single submitter. Criteria: ACMG Guidelines, 2015. Collection method: research. Allele origin: de novo. Inheritance: Autosomal dominant inheritance. Affected: yes.
Comment: The NM_015570.4:c.376C>T (p.Arg126Ter) variant in AUTS2 is a heterozygous nonsense change predicted to introduce a premature stop codon at position 126, leading to protein truncation or nonsense-mediated decay (PVS1). This variant is absent from population databases (PM2). The variant is therefore classified as Pathogenic based on ACMG/AMP criteria (PVS1, PM2, PS2).

Labcorp Genetics (formerly Invitae), Labcorp
Classification: Pathogenic. Last evaluated: 2025-02-24. Review status: criteria provided, single submitter. Criteria: Invitae Variant Classification Sherloc (09022015). Collection method: clinical testing. Allele origin: germline.
Comment: This sequence change creates a premature translational stop signal (p.Arg126*) in the AUTS2 gene. It is expected to result in an absent or disrupted protein product. Loss-of-function variants in AUTS2 are known to be pathogenic (PMID: 25205402, 27075013). This variant is not present in population databases (gnomAD no frequency). This premature translational stop signal has been observed in individual(s) with neurodevelopmental disorder (PMID: 31785789). This variant is also known as 7:69364338:C:T. ClinVar contains an entry for this variant (Variation ID: 620261). For these reasons, this variant has been classified as Pathogenic.

GeneDx
Classification: Pathogenic. Last evaluated: 2024-08-18. Review status: criteria provided, single submitter. Criteria: GeneDx Variant Classification Process June 2021. Collection method: clinical testing. Allele origin: germline. Affected: yes.
Comment: Nonsense variant predicted to result in protein truncation or nonsense mediated decay in a gene for which loss of function is a known mechanism of disease; Not observed at significant frequency in large population cohorts (gnomAD); This variant is associated with the following publications: (PMID: 31785789, 33057194, 35982159)

Institute of Human Genetics, University of Leipzig Medical Center
Classification: Pathogenic for Autism spectrum disorder due to AUTS2 deficiency. Last evaluated: 2024-05-28. Review status: criteria provided, single submitter. Criteria: ACMG Guidelines, 2015. Collection method: clinical testing. Allele origin: de novo. Inheritance: Autosomal dominant inheritance. Affected: yes.
Comment: Criteria applied: PVS1,PS2,PM2_SUP

Revvity Omics, Revvity
Classification: Likely pathogenic for Autism spectrum disorder due to AUTS2 deficiency. Last evaluated: 2023-11-08. Review status: criteria provided, single submitter. Criteria: ACMG Guidelines, 2015. Collection method: clinical testing. Allele origin: germline.

Equipe Genetique des Anomalies du Developpement, Université de Bourgogne
Classification: Pathogenic for Autism spectrum disorder due to AUTS2 deficiency. Last evaluated: 2022-06-07. Review status: criteria provided, single submitter. Criteria: ACMG Guidelines, 2015. Collection method: clinical testing. Allele origin: de novo. Inheritance: Autosomal dominant inheritance. Affected: yes.

Broad Center for Mendelian Genomics, Broad Institute of MIT and Harvard
Classification: Pathogenic for Intellectual developmental disorder, autosomal dominant 57. Last evaluated: 2022-05-04. Review status: criteria provided, single submitter. Criteria: ACMG Guidelines, 2015. Collection method: curation. Allele origin: germline. Inheritance: Autosomal dominant inheritance.
Comment: Trio exome analysis showed this variant to be de novo. The variant has not been previously reported in individuals with mental retardation, autosomal dominant 26 and was absent from large population studies. This variant has been reported in ClinVar (Variation ID: 620261) as pathogenic by GeneDx. This nonsense variant leads to a premature termination codon at position 126, which is predicted to lead to a truncated or absent protein. Heterozygous loss of function of the AUTS2 gene is a moderately established disease mechanism in mental retardation, autosomal dominant 26. In summary, this variant meets criteria to be classified as pathogenic for mental retardation, autosomal dominant 26 based on the predicted impact of the variant, its de novo occurrence, and its absence from control populations. ACMG/AMP Criteria applied: PVS1_strong, PS2, PM2 (Richards 2015).

Institute for Medical Genetics and Human Genetics, Charité - Universitätsmedizin Berlin
Classification: Pathogenic for Autism spectrum disorder due to AUTS2 deficiency. Review status: criteria provided, single submitter. Criteria: ACMG Guidelines, 2015. Collection method: not provided. Allele origin: germline. Inheritance: Autosomal dominant inheritance. Affected: yes.

Juno Genomics, Hangzhou Juno Genomics, Inc
Classification: Pathogenic for Autism spectrum disorder due to AUTS2 deficiency. Review status: criteria provided, single submitter. Criteria: ACMG Guidelines, 2015. Collection method: clinical testing. Allele origin: germline. Affected: yes.
Comment: Absent from controls (or at extremely low frequency if recessive) in Genome Aggregation Database, Exome Sequencing Project, 1000 Genomes Project, or Exome Aggregation Consortium.;The prevalence of the variant in affected individuals is significantly increased compared to the prevalence in controls.;De novo (both maternity and paternity confirmed) in a patient with the disease and no family history.;Null variant in a gene where loss of function (LOF) is a known mechanism of disease.

Literature cited by the submitters: PubMed 25205402 (cited by Labcorp Genetics (formerly Invitae), Labcorp); PubMed 27075013 (cited by Labcorp Genetics (formerly Invitae), Labcorp); PubMed 31785789 (cited by Labcorp Genetics (formerly Invitae), Labcorp).

NM_015570.4(AUTS2):c.376C>T (p.Arg126Ter)

Gene: AUTS2 (activator of transcription and developmental regulator AUTS2; plus strand). Cytogenetic location: 7q11.22.
Variant type: single nucleotide variant.
Coding change: c.376C>T on transcript NM_015570.4 (MANE Select); coding-DNA position 376, C replaced by T.
Protein change: p.Arg126Ter; replaces arginine 126 with a stop codon.
Molecular consequence: nonsense.
Genome position (GRCh38, 1-based): chr7:69,899,352, C>T. VCF-style: chr7-69899352-C-T. GRCh37 (hg19) VCF-style: chr7-69364338-C-T.
Other names: NM_015570.4(AUTS2):c.376C>T; p.Arg126Ter; c.376C>T, p.Arg126Ter (NM_001127231.3, NM_001127232.3); short protein forms R126*.
Identifiers: ClinVar variation 620261 (VCV000620261.19), dbSNP rs1562957809, ClinGen allele CA367703458.